The following is an entry in ClinVar:

NM_005535.3(IL12RB1):c.454G>T (p.Ala152Ser)

Gene: IL12RB1 (interleukin 12 receptor subunit beta 1; minus strand). Cytogenetic location: 19p13.11.
Variant type: single nucleotide variant.
Coding change: c.454G>T on transcript NM_005535.3 (MANE Select); coding-DNA position 454, G replaced by T.
Protein change: p.Ala152Ser; replaces alanine 152 with serine.
Molecular consequence: missense variant.
Genome position (GRCh38, 1-based): chr19:18,077,611, C>A on the plus strand (G>T on the coding strand, the complement: IL12RB1 is on the minus strand). VCF-style: chr19-18077611-C-A. GRCh37 (hg19) VCF-style: chr19-18188421-C-A.
Other names: c.454G>T, p.Ala152Ser (NM_001290023.2, NM_153701.3); c.574G>T, p.Ala192Ser (NM_001290024.2); short protein forms A192S, A152S.
Identifiers: ClinVar variation 2875070 (VCV002875070.3), dbSNP rs760940247, ClinGen allele CA306134291.

ClinVar aggregate classification (germline): Uncertain significance (1 of 4 stars; one submission).

Conditions:
Mendelian susceptibility to mycobacterial diseases due to complete IL12RB1 deficiency. Also called: Immunodeficiency 30; IL12RB1 DEFICIENCY. Identifiers: Orphanet 319552, MedGen C4013949, MONDO:0013955, OMIM 614891.

Allele frequency attached by ClinVar (database versions not stated): gnomAD 0.00001; gnomAD exomes 0.00001; TOPMed 0.00001.
gnomAD v4.1: 11 of 1,595,216 alleles (0.00069%); highest among the groups gnomAD compares: Non-Finnish European, 0.00095%; no homozygotes.

Submission:

Labcorp Genetics (formerly Invitae), Labcorp
Classification: Uncertain significance for Mendelian susceptibility to mycobacterial diseases due to complete IL12RB1 deficiency. Last evaluated: 2023-11-15. Review status: criteria provided, single submitter. Criteria: Invitae Variant Classification Sherloc (09022015). Collection method: clinical testing. Allele origin: germline.
Comment: This sequence change replaces alanine, which is neutral and non-polar, with serine, which is neutral and polar, at codon 152 of the IL12RB1 protein (p.Ala152Ser). This variant is not present in population databases (gnomAD no frequency). This variant has not been reported in the literature in individuals affected with IL12RB1-related conditions. Advanced modeling of protein sequence and biophysical properties (such as structural, functional, and spatial information, amino acid conservation, physicochemical variation, residue mobility, and thermodynamic stability) performed at Invitae indicates that this missense variant is not expected to disrupt IL12RB1 protein function with a negative predictive value of 80%. In summary, the available evidence is currently insufficient to determine the role of this variant in disease. Therefore, it has been classified as a Variant of Uncertain Significance.